The following is an entry in ClinVar:

NM_004329.3(BMPR1A):c.829A>G (p.Ile277Val)

Gene: BMPR1A (bone morphogenetic protein receptor type 1A; plus strand). Cytogenetic location: 10q23.2.
Variant type: single nucleotide variant.
Coding change: c.829A>G on transcript NM_004329.3 (MANE Select); coding-DNA position 829, A replaced by G.
Protein change: p.Ile277Val; replaces isoleucine 277 with valine.
Molecular consequence: missense variant.
Genome position (GRCh38, 1-based): chr10:86,917,287, A>G. VCF-style: chr10-86917287-A-G. GRCh37 (hg19) VCF-style: chr10-88677044-A-G.
Other names: short protein forms I277V.
Identifiers: ClinVar variation 411631 (VCV000411631.12), dbSNP rs1060503400, ClinGen allele CA16612894.

ClinVar aggregate classification (germline): Uncertain significance. Review status: criteria provided, multiple submitters, no conflicts (2 of 4 stars). 4 submissions from 4 submitters: Uncertain significance (3). 1 of the submissions does not count toward it. Last evaluated 2024-09-01.

Conditions:
Juvenile polyposis syndrome (JPS). Identifiers: Orphanet 2929, MedGen C0345893, MONDO:0017380, OMIM 174900.
Hereditary cancer-predisposing syndrome. Also called: Hereditary neoplastic syndrome; Neoplastic Syndromes, Hereditary; Tumor predisposition; Hereditary Cancer Syndrome. Identifiers: Orphanet 140162, MedGen C0027672, MeSH D009386, MONDO:0015356.

Submissions (4):

Ambry Genetics
Classification: Uncertain significance for Hereditary cancer-predisposing syndrome. Last evaluated: 2024-09-01. Review status: criteria provided, single submitter. Criteria: Ambry Variant Classification Scheme 2023. Collection method: clinical testing. Allele origin: germline.
Comment: The p.I277V variant (also known as c.829A>G), located in coding exon 7 of the BMPR1A gene, results from an A to G substitution at nucleotide position 829. The isoleucine at codon 277 is replaced by valine, an amino acid with highly similar properties. This amino acid position is conserved. In addition, the in silico prediction for this alteration is inconclusive. Based on the available evidence, the clinical significance of this variant remains unclear.

Myriad Genetics, Inc.
Classification: Uncertain significance for Juvenile polyposis syndrome. Last evaluated: 2023-03-02. Review status: criteria provided, single submitter. Criteria: Myriad Autosomal Dominant, Autosomal Recessive and X-Linked Classification Criteria (2023). Collection method: clinical testing. Allele origin: unknown.
Comment: This variant is classified as a variant of uncertain significance as there is insufficient evidence to determine its impact on protein function and/or cancer risk.

Labcorp Genetics (formerly Invitae), Labcorp
Classification: Uncertain significance for Juvenile polyposis syndrome. Last evaluated: 2021-01-22. Review status: criteria provided, single submitter. Criteria: Invitae Variant Classification Sherloc (09022015). Collection method: clinical testing. Allele origin: germline.
Comment: This variant has not been reported in the literature in individuals with BMPR1A-related conditions. ClinVar contains an entry for this variant (Variation ID: 411631). Advanced modeling of protein sequence and biophysical properties (such as structural, functional, and spatial information, amino acid conservation, physicochemical variation, residue mobility, and thermodynamic stability) performed at Invitae indicates that this missense variant is not expected to disrupt BMPR1A protein function. In summary, the available evidence is currently insufficient to determine the role of this variant in disease. Therefore, it has been classified as a Variant of Uncertain Significance. This variant is not present in population databases (ExAC no frequency). This sequence change replaces isoleucine with valine at codon 277 of the BMPR1A protein (p.Ile277Val). The isoleucine residue is highly conserved and there is a small physicochemical difference between isoleucine and valine.

Counsyl
Classification: Uncertain significance for Juvenile polyposis syndrome. Last evaluated: 2017-09-25. Review status: no assertion criteria provided. Collection method: clinical testing. Allele origin: unknown. Not counted in ClinVar's aggregate classification.